The following is an entry in ClinVar:

NM_006005.3(WFS1):c.21G>T (p.Pro7=)

Gene: WFS1 (wolframin ER transmembrane glycoprotein; plus strand). Cytogenetic location: 4p16.1.
Variant type: single nucleotide variant.
Coding change: c.21G>T on transcript NM_006005.3 (MANE Select); coding-DNA position 21, G replaced by T.
Protein change: p.Pro7=; no amino-acid change (proline 7 retained).
Molecular consequence: synonymous variant.
Genome position (GRCh38, 1-based): chr4:6,277,476, G>T. VCF-style: chr4-6277476-G-T. GRCh37 (hg19) VCF-style: chr4-6279203-G-T.
Other names: c.21G>T, p.Pro7= (NM_001145853.1).
Identifiers: ClinVar variation 45449 (VCV000045449.20), dbSNP rs372928810, ClinGen allele CA136348.
Genomic context (GRCh38, chr4:6,277,476, plus strand): 5'-GTGCTGGATGTGCCTGACCTTGACTTTTCTTCCAGGCAGGATGGACTCCAACACTGCTCC[G>T]CTGGGCCCCTCCTGCCCACAGCCCCCGCCAGCACCGCAGCCCCAGGCGCGTTCCCGACTC-3'
Protein context (NP_005996.2, residues 1-17): MDSNTA[Pro7=]LGPSCPQPPP

ClinVar aggregate classification (germline): Benign/Likely benign. Review status: criteria provided, multiple submitters, no conflicts (2 of 4 stars). 8 submissions from 7 submitters: Benign (6); Likely benign (2). Last evaluated 2026-02-01.

Conditions:
WFS1-Related Spectrum Disorders.
Wolfram syndrome 1 (WFS1). Identifiers: Orphanet 3463, MedGen C4551693, MONDO:0009101, OMIM 222300.
Autosomal dominant nonsyndromic hearing loss 6 (LFSNHL). Also called: DEAFNESS, AUTOSOMAL DOMINANT 14; DEAFNESS, AUTOSOMAL DOMINANT 6; DEAFNESS, AUTOSOMAL DOMINANT 38; Autosomal dominant nonsyndromic deafness 6; DIDMOAD (Diabetes Insipidus, Diabetes Mellitus, Optic Atrophy, and Deafness). Identifiers: Orphanet 90635, MedGen C1833021, MONDO:0010963, OMIM 600965.

Allele frequency attached by ClinVar (database versions not stated): TOPMed 0.00006; gnomAD 0.00007 and 0.00129; 1000 Genomes Project 30x 0.00984; 1000 Genomes Project 0.01018; ExAC 0.01933.
gnomAD v4.1: 3,356 of 1,557,912 alleles (0.22%); highest among the groups gnomAD compares: South Asian, 3.7%; 103 homozygotes.

Submissions (8):

Labcorp Genetics (formerly Invitae), Labcorp
Classification: Benign. Last evaluated: 2026-02-01. Review status: criteria provided, single submitter. Criteria: Invitae Variant Classification Sherloc (09022015). Collection method: clinical testing. Allele origin: germline.

Illumina Laboratory Services, Illumina
Classification: Benign for WFS1-Related Spectrum Disorders. Last evaluated: 2018-01-13. Review status: criteria provided, single submitter. Criteria: ICSL Variant Classification Criteria 13 December 2019. Collection method: clinical testing. Allele origin: germline.
Comment: This variant was observed in the ICSL laboratory as part of a predisposition screen in an ostensibly healthy population. It had not been previously curated by ICSL or reported in the Human Gene Mutation Database (HGMD: prior to June 1st, 2018), and was therefore a candidate for classification through an automated scoring system. Utilizing variant allele frequency, disease prevalence and penetrance estimates, and inheritance mode, an automated score was calculated to assess if this variant is too frequent to cause the disease. Based on the score and internal cut-off values, a variant classified as benign is not then subjected to further curation. The score for this variant resulted in a classification of benign for this disease.

Illumina Laboratory Services, Illumina
Classification: Benign for Autosomal dominant nonsyndromic hearing loss 6. Last evaluated: 2018-01-13. Review status: criteria provided, single submitter. Criteria: ICSL Variant Classification Criteria 13 December 2019. Collection method: clinical testing. Allele origin: germline.
Comment: the same text as in the submission from Illumina Laboratory Services, Illumina above.

Laboratory for Molecular Medicine, Mass General Brigham Personalized Medicine
Classification: Benign. Last evaluated: 2016-01-26. Review status: criteria provided, single submitter. Criteria: LMM Criteria. Collection method: clinical testing. Allele origin: germline. Observed: 5 variant alleles.
Comment: p.Pro7Pro in exon 2 of WFS1: This variant is not expected to have clinical signi ficance because it has been identified in 4% (345/7950) of South Asian chromosom es by the Exome Aggregation Consortium (ExAC; db SNP rs372928810), it does not alter an amino acid residue, and it is not located within the splice consensus sequence.

GeneDx
Classification: Benign. Last evaluated: 2015-06-19. Review status: criteria provided, single submitter. Criteria: GeneDx Variant Classification (06012015). Collection method: clinical testing. Allele origin: germline. Affected: yes.
Comment: This variant is considered likely benign or benign based on one or more of the following criteria: it is a conservative change, it occurs at a poorly conserved position in the protein, it is predicted to be benign by multiple in silico algorithms, and/or has population frequency not consistent with disease.

Breakthrough Genomics
Classification: Likely benign. Review status: criteria provided, single submitter. Criteria: ACMG Guidelines, 2015. Collection method: not provided. Allele origin: germline. Inheritance: Autosomal recessive inheritance. Affected: yes.

Clinical Genomics, Uppaluri K&H Personalized Medicine Clinic
Classification: Benign for Wolfram syndrome 1. Review status: criteria provided, single submitter. Criteria: K & H Uppaluri Personalized Medicine Clinic Variant Classification & Assertion Criteria_Updated V.1. Collection method: research. Allele origin: unknown. Inheritance: Autosomal recessive inheritance.
Comment: Potent mutations in WFS1 gene are associated with Wolfram's syndrome, an autosomal recessive condition, which cause diabetes mellitus, diabetes insipidus, deafness and optic atrophy.However no sufficient evidence is found to ascertain the role of this particular variant rs372928810 yet.

PreventionGenetics, part of Exact Sciences
Classification: Likely benign. Review status: criteria provided, single submitter. Criteria: ACMG Guidelines, 2015. Collection method: clinical testing. Allele origin: germline.

Literature cited by the submitters: PubMed 20738327 (cited by Clinical Genomics, Uppaluri K&H Personalized Medicine Clinic); PubMed 33879153 (cited by Clinical Genomics, Uppaluri K&H Personalized Medicine Clinic); PubMed 12955714 (cited by Clinical Genomics, Uppaluri K&H Personalized Medicine Clinic); PubMed 18060660 (cited by Clinical Genomics, Uppaluri K&H Personalized Medicine Clinic); PubMed 20301750 (cited by Clinical Genomics, Uppaluri K&H Personalized Medicine Clinic); PubMed 17603484 (cited by Clinical Genomics, Uppaluri K&H Personalized Medicine Clinic).